The following is an entry in ClinVar:

ClinVar aggregate classification (germline): Uncertain significance (1 of 4 stars; one submission).

Allele frequency attached by ClinVar (database versions not stated): TOPMed below 0.00001.
gnomAD v4.1: 1 of 1,613,290 alleles (0.000062%); no homozygotes.

Submission:

Labcorp Genetics (formerly Invitae), Labcorp
Classification: Uncertain significance. Last evaluated: 2024-12-31. Review status: criteria provided, single submitter. Criteria: Invitae Variant Classification Sherloc (09022015). Collection method: clinical testing. Allele origin: germline.
Comment: This sequence change replaces alanine, which is neutral and non-polar, with threonine, which is neutral and polar, at codon 1439 of the LRP5 protein (p.Ala1439Thr). This variant is not present in population databases (gnomAD no frequency). This variant has not been reported in the literature in individuals affected with LRP5-related conditions. ClinVar contains an entry for this variant (Variation ID: 1945183). Invitae Evidence Modeling of protein sequence and biophysical properties (such as structural, functional, and spatial information, amino acid conservation, physicochemical variation, residue mobility, and thermodynamic stability) indicates that this missense variant is not expected to disrupt LRP5 protein function with a negative predictive value of 95%. In summary, the available evidence is currently insufficient to determine the role of this variant in disease. Therefore, it has been classified as a Variant of Uncertain Significance.

NM_002335.4(LRP5):c.4315G>A (p.Ala1439Thr)

Gene: LRP5 (LDL receptor related protein 5; plus strand). Cytogenetic location: 11q13.2.
Variant type: single nucleotide variant.
Coding change: c.4315G>A on transcript NM_002335.4 (MANE Select); coding-DNA position 4315, G replaced by A.
Protein change: p.Ala1439Thr; replaces alanine 1439 with threonine.
Molecular consequence: missense variant.
Genome position (GRCh38, 1-based): chr11:68,438,649, G>A. VCF-style: chr11-68438649-G-A. GRCh37 (hg19) VCF-style: chr11-68206117-G-A.
Other names: c.2572G>A, p.Ala858Thr (NM_001291902.2); short protein forms A858T, A1439T.
Identifiers: ClinVar variation 1945183 (VCV001945183.5), dbSNP rs2098676415, ClinGen allele CA381615256.
Genomic context (GRCh38, chr11:68,438,649, plus strand): 5'-AACGGGCCCTTCCCGCACGAGTATGTCAGCGGGACCCCGCACGTGCCCCTCAATTTCATA[G>A]CCCCGGGCGGTTCCCAGCATGGCCCCTTCACAGGTAAGGAGCCTGAGATATGGAATGATC-3'
Protein context (NP_002326.2, residues 1429-1449): GTPHVPLNFI[Ala1439Thr]PGGSQHGPFT